The following is an entry in ClinVar:

ClinVar aggregate classification (germline): Uncertain significance (1 of 4 stars; one submission).

Submission:

Dasa
Classification: Uncertain significance. Last evaluated: 2026-01-28. Review status: criteria provided, single submitter. Criteria: DASA Assertion Criteria. Collection method: clinical testing. Allele origin: germline.
Comment: NM_032647.4(CBX2):c.325del (p.Gln109Serfs*6) is a frameshift variant in CBX2 predicted to alter the reading frame and introduce a premature termination codon. This variant is rare in population databases. The currently available literature and clinical evidence are not sufficient to establish a definitive association between this variant and the reported condition. Therefore, this variant is classified as a variant of uncertain significance.

NM_005189.3(CBX2):c.288+37del

Gene: CBX2 (chromobox 2; plus strand). Cytogenetic location: 17q25.3.
Variant type: Deletion.
Coding change: c.288+37del on transcript NM_005189.3 (MANE Select); 37 bases into the intron after coding-DNA position 288, one base deleted (C; older notation c.288+37delC).
Molecular consequence: intron variant. On other transcripts: frameshift variant (1).
Genome position (GRCh38, 1-based): chr17:79,781,838, C deleted; the last of 3 consecutive C bases (chr17:79,781,836-79,781,838); deleting any one gives the same sequence. VCF-style (leftmost placement, unchanged base first): chr17-79781835-TC-T. GRCh37 (hg19) VCF-style: chr17-77755634-TC-T.
Other names: c.325del, p.Gln109fs (NM_032647.4); short protein forms Q109fs.
Identifiers: ClinVar variation 4883937 (VCV004883937.2), dbSNP rs368650820.
Genomic context (GRCh38, chr17:79,781,835, plus strand): 5'-TCCTGCAGCCGGCGCTCCAAGCTCAAGGTGGGTGGCTGCGCTGGGTATGCTGACCCCACC[TC>T]CCAGCACCCCCTTGGCGTAGGGGGCAGGCAGAGGGAGGGTTTGGGGCCCTCAGGAAGGGG-3'